The following is an entry in ClinVar:

ClinVar aggregate classification (germline): Uncertain significance. Review status: criteria provided, multiple submitters, no conflicts (2 of 4 stars). 2 submissions from 2 submitters: Uncertain significance (2). Last evaluated 2024-11-22.

Conditions:
Inborn genetic diseases. Identifiers: MedGen C0950123, MeSH D030342.

Allele frequency attached by ClinVar (database versions not stated): TOPMed 0.00002; gnomAD 0.00001.
gnomAD v4.1: 7 of 1,508,982 alleles (0.00046%); highest among the groups gnomAD compares: South Asian, 0.0054%; no homozygotes.

Submissions (2):

GeneDx
Classification: Uncertain significance. Last evaluated: 2024-11-22. Review status: criteria provided, single submitter. Criteria: GeneDx Variant Classification Process June 2021. Collection method: clinical testing. Allele origin: germline. Affected: yes.
Comment: Reported previously, in the compound heterozgyous state and using alternate nomenclature, in a patient with a febrile seizures and a diagnosis of partial epilepsy (PMID: 35600082); Not observed at significant frequency in large population cohorts (gnomAD); In silico analysis supports that this missense variant has a deleterious effect on protein structure/function; This variant is associated with the following publications: (PMID: 35600082)

Ambry Genetics
Classification: Uncertain significance for Inborn genetic diseases. Last evaluated: 2019-02-01. Review status: criteria provided, single submitter. Criteria: Ambry Variant Classification Scheme 2023. Collection method: clinical testing. Allele origin: germline.
Comment: The p.P1994L variant (also known as c.5981C>T), located in coding exon 41 of the CACNA1A gene, results from a C to T substitution at nucleotide position 5981. The proline at codon 1994 is replaced by leucine, an amino acid with similar properties. This amino acid position is well conserved in available vertebrate species. In addition, the in silico prediction for this alteration is inconclusive. Since supporting evidence is limited at this time, the clinical significance of this alteration remains unclear.

NM_001127222.2(CACNA1A):c.5978C>T (p.Pro1993Leu)

Gene: CACNA1A (calcium voltage-gated channel subunit alpha1 A; minus strand). Cytogenetic location: 19p13.13.
Variant type: single nucleotide variant.
Coding change: c.5978C>T on transcript NM_001127222.2 (MANE Select); coding-DNA position 5978, C replaced by T.
Protein change: p.Pro1993Leu; replaces proline 1993 with leucine.
Molecular consequence: missense variant.
Genome position (GRCh38, 1-based): chr19:13,212,703, G>A on the plus strand (C>T on the coding strand, the complement: CACNA1A is on the minus strand). VCF-style: chr19-13212703-G-A. GRCh37 (hg19) VCF-style: chr19-13323517-G-A.
Other names: c.5996C>T, p.Pro1999Leu (NM_000068.4, NM_023035.3); c.5981C>T, p.Pro1994Leu (NM_001127221.2); c.5987C>T, p.Pro1996Leu (NM_001174080.2); short protein forms P1993L, P1999L, P1994L, P1996L.
Identifiers: ClinVar variation 1750847 (VCV001750847.3), dbSNP rs866667085, ClinGen allele CA305551179.
Genomic context (GRCh38, chr19:13,212,703, plus strand): 5'-GGGTCCAGCTGGGTGGAGGGGAGGGCGTTCTGGCCAGGTCCCCCTTCCTGCGTTGGGGAC[G>A]GGGGCTCCATGCGCTGGAACATGAGGGGTGTCCGGTCCTGGGGAATGGGGCAGAGAGCAG-3'
Protein context (NP_001120694.1, residues 1983-2003): TPLMFQRMEP[Pro1993Leu]SPTQEGGPGQ